The following is an entry in ClinVar:

NM_001220.5(CAMK2B):c.1310C>G (p.Pro437Arg)

Gene: CAMK2B (calcium/calmodulin dependent protein kinase II beta; minus strand). Cytogenetic location: 7p13.
Variant type: single nucleotide variant.
Coding change: c.1310C>G on transcript NM_001220.5 (MANE Select); coding-DNA position 1310, C replaced by G.
Protein change: p.Pro437Arg; replaces proline 437 with arginine.
Molecular consequence: missense variant. On other transcripts: intron variant (8).
Genome position (GRCh38, 1-based): chr7:44,229,417, G>C on the plus strand (C>G on the coding strand, the complement: CAMK2B is on the minus strand). VCF-style: chr7-44229417-G-C. GRCh37 (hg19) VCF-style: chr7-44269016-G-C.
Other names: c.1225+1589C>G (NM_001293170.2, NM_172078.3); c.947-8516C>G (NM_172084.3); c.1150+1589C>G (NM_172080.3); c.1036+1589C>G (NM_172083.3); c.1108+1589C>G (NM_172081.3); c.1153+1589C>G (NM_172079.3, NM_172082.3); short protein forms P437R.
Identifiers: ClinVar variation 2737262 (VCV002737262.3), dbSNP rs201975711, ClinGen allele CA367374285.

ClinVar aggregate classification (germline): Uncertain significance (1 of 4 stars; one submission).

Submission:

Labcorp Genetics (formerly Invitae), Labcorp
Classification: Uncertain significance. Last evaluated: 2023-07-07. Review status: criteria provided, single submitter. Criteria: Invitae Variant Classification Sherloc (09022015). Collection method: clinical testing. Allele origin: germline.
Comment: This sequence change replaces proline, which is neutral and non-polar, with arginine, which is basic and polar, at codon 437 of the CAMK2B protein (p.Pro437Arg). This variant is not present in population databases (gnomAD no frequency). This variant has not been reported in the literature in individuals affected with CAMK2B-related conditions. An algorithm developed to predict the effect of missense changes on protein structure and function (PolyPhen-2) suggests that this variant is likely to be tolerated. In summary, the available evidence is currently insufficient to determine the role of this variant in disease. Therefore, it has been classified as a Variant of Uncertain Significance.